The following is an entry in ClinVar:

NM_001206927.2(DNAH8):c.4133A>T (p.Glu1378Val)

Gene: DNAH8 (dynein axonemal heavy chain 8; plus strand). Cytogenetic location: 6p21.2.
Variant type: single nucleotide variant.
Coding change: c.4133A>T on transcript NM_001206927.2 (MANE Select); coding-DNA position 4133, A replaced by T.
Protein change: p.Glu1378Val; replaces glutamic acid 1378 with valine.
Molecular consequence: missense variant.
Genome position (GRCh38, 1-based): chr6:38,828,233, A>T. VCF-style: chr6-38828233-A-T. GRCh37 (hg19) VCF-style: chr6-38796009-A-T.
Other names: c.3482A>T, p.Glu1161Val (NM_001371.4); short protein forms E1161V, E1378V.
Identifiers: ClinVar variation 2054965 (VCV002054965.3), dbSNP rs777914000, ClinGen allele CA3789043.
Genomic context (GRCh38, chr6:38,828,233, plus strand): 5'-TCATCCTGCAGGAAGCCTATGCTATTTTAAACAGATTTGAAGTTGAAGTAACCAAAGAAG[A>T]ATCAGAAGCAGTTGATACCTTAAGATATTCTTTCAACAAATTGCAGAGCAAAGCTGTAAG-3'
Protein context (NP_001193856.1, residues 1368-1388): NRFEVEVTKE[Glu1378Val]SEAVDTLRYS

ClinVar aggregate classification (germline): Uncertain significance (1 of 4 stars; one submission).

Conditions:
Primary ciliary dyskinesia. Also called: Ciliary dyskinesia. Identifiers: Orphanet 244, MedGen C0008780, MONDO:0016575, HP:0012265.

Allele frequency attached by ClinVar (database versions not stated): TOPMed 0.00001; ExAC 0.00001; gnomAD 0.00001; gnomAD exomes 0.00001.
gnomAD v4.1: 10 of 1,597,228 alleles (0.00063%); highest among the groups gnomAD compares: Non-Finnish European, 0.00077%; no homozygotes.

Submission:

Labcorp Genetics (formerly Invitae), Labcorp
Classification: Uncertain significance for Primary ciliary dyskinesia. Last evaluated: 2022-07-15. Review status: criteria provided, single submitter. Criteria: Invitae Variant Classification Sherloc (09022015). Collection method: clinical testing. Allele origin: germline.
Comment: In summary, the available evidence is currently insufficient to determine the role of this variant in disease. Therefore, it has been classified as a Variant of Uncertain Significance. This sequence change replaces glutamic acid, which is acidic and polar, with valine, which is neutral and non-polar, at codon 1378 of the DNAH8 protein (p.Glu1378Val). This variant is present in population databases (rs777914000, gnomAD 0.002%). This variant has not been reported in the literature in individuals affected with DNAH8-related conditions. Algorithms developed to predict the effect of missense changes on protein structure and function are either unavailable or do not agree on the potential impact of this missense change (SIFT: "Deleterious"; PolyPhen-2: "Not Available"; Align-GVGD: "Class C0").